The following is an entry in ClinVar:

ClinVar aggregate classification (germline): Likely benign (0 of 4 stars; one submission).

Conditions:
SFTPA1-related disorder. Also called: SFTPA1-related condition.

Allele frequency attached by ClinVar (database versions not stated): ExAC 0.00007.

Submission:

PreventionGenetics, part of Exact Sciences
Classification: Likely benign for SFTPA1-related condition. Last evaluated: 2019-04-05. Review status: no assertion criteria provided. Collection method: clinical testing. Allele origin: germline.
Comment: This variant is classified as likely benign based on ACMG/AMP sequence variant interpretation guidelines (Richards et al. 2015 PMID: 25741868, with internal and published modifications).

NM_005411.5(SFTPA1):c.456G>A (p.Gln152=)

Gene: SFTPA1 (surfactant protein A1; plus strand). Cytogenetic location: 10q22.3.
Variant type: single nucleotide variant.
Coding change: c.456G>A on transcript NM_005411.5 (MANE Select); coding-DNA position 456, G replaced by A.
Protein change: p.Gln152=; no amino-acid change (glutamine 152 retained).
Molecular consequence: synonymous variant.
Genome position (GRCh38, 1-based): chr10:79,613,822, G>A. VCF-style: chr10-79613822-G-A. GRCh37 (hg19) VCF-style: chr10-81373578-G-A.
Other names: c.501G>A, p.Gln167= (NM_001093770.3); c.456G>A, p.Gln152= (NM_001164644.2, NM_001164647.1); c.354G>A, p.Gln118= (NM_001164645.2); c.309G>A, p.Gln103= (NM_001164646.2).
Identifiers: ClinVar variation 3057783 (VCV003057783.2), dbSNP rs771456613, ClinGen allele CA5574544.
Genomic context (GRCh38, chr10:79,613,822, plus strand): 5'-GACAGTAGGAGAGAAGGTCTTCTCCAGCAATGGGCAGTCCATCACTTTTGATGCCATTCA[G>A]GAGGCATGTGCCAGAGCAGGCGGCCGCATTGCTGTCCCAAGGAATCCAGAGGAAAATGAG-3'
Protein context (NP_005402.3, residues 142-162): NGQSITFDAI[Gln152=]EACARAGGRI